The following is an entry in ClinVar:

ClinVar aggregate classification (germline): Uncertain significance (1 of 4 stars; one submission).

Conditions:
Hereditary cancer-predisposing syndrome. Also called: Neoplastic Syndromes, Hereditary; Hereditary Cancer Syndrome; Tumor predisposition; Hereditary neoplastic syndrome. Identifiers: Orphanet 140162, MedGen C0027672, MeSH D009386, MONDO:0015356.

Submission:

Ambry Genetics
Classification: Uncertain significance for Hereditary cancer-predisposing syndrome. Last evaluated: 2023-01-31. Review status: criteria provided, single submitter. Criteria: Ambry Variant Classification Scheme 2023. Collection method: clinical testing. Allele origin: germline.
Comment: The p.A473E variant (also known as c.1418C>A), located in coding exon 10 of the CTNNA1 gene, results from a C to A substitution at nucleotide position 1418. The alanine at codon 473 is replaced by glutamic acid, an amino acid with dissimilar properties. This amino acid position is conserved. In addition, the in silico prediction for this alteration is inconclusive. Since supporting evidence is limited at this time, the clinical significance of this alteration remains unclear.

NM_001903.5(CTNNA1):c.1418C>A (p.Ala473Glu)

Gene: CTNNA1 (catenin alpha 1; plus strand). Cytogenetic location: 5q31.2.
Variant type: single nucleotide variant.
Coding change: c.1418C>A on transcript NM_001903.5 (MANE Select); coding-DNA position 1418, C replaced by A.
Protein change: p.Ala473Glu; replaces alanine 473 with glutamic acid.
Molecular consequence: missense variant. On other transcripts: 5 prime UTR variant (5).
Genome position (GRCh38, 1-based): chr5:138,917,770, C>A. VCF-style: chr5-138917770-C-A. GRCh37 (hg19) VCF-style: chr5-138253459-C-A.
Other names: c.1418C>A, p.Ala473Glu (NM_001290307.3, NM_001323982.2, NM_001323983.1 and 2 more transcripts); c.1109C>A, p.Ala370Glu (NM_001290309.3); c.1049C>A, p.Ala350Glu (NM_001290310.3); c.308C>A, p.Ala103Glu (NM_001290312.1, NM_001323987.1, NM_001323988.1 and 17 more transcripts); c.1325C>A, p.Ala442Glu (NM_001323986.2); c.-32C>A (NM_001324006.1, NM_001324007.1, NM_001324008.1 and 2 more transcripts); c.215C>A, p.Ala72Glu (NM_001324011.1); c.65C>A, p.Ala22Glu (NM_001324012.1, NM_001324013.1); short protein forms A72E, A103E, A370E, A350E, A442E, A22E, A473E.
Identifiers: ClinVar variation 2448346 (VCV002448346.2), dbSNP rs1762099256, ClinGen allele CA361137125.